The following is an entry in ClinVar:

ClinVar aggregate classification (germline): Pathogenic/Likely pathogenic. Review status: criteria provided, multiple submitters, no conflicts (2 of 4 stars). 10 submissions from 8 submitters: Pathogenic (4); Likely pathogenic (5). 1 of the submissions does not count toward it. Last evaluated 2025-07-01.

Conditions:
Acute lymphoid leukemia (ALL). Also called: Acute lymphoblastic leukemia; Acute lymphocytic leukemia; Lymphoblastic leukemia; Leukemia, acute lymphoblastic, somatic. Identifiers: Orphanet 513, MedGen C0023449, MONDO:0004967, OMIM 613065, HP:0006721.
Microcephaly, normal intelligence and immunodeficiency (NBS). Also called: IMMUNODEFICIENCY, MICROCEPHALY, AND CHROMOSOMAL INSTABILITY; SEEMANOVA SYNDROME II; Nijmegen breakage syndrome; Microcephaly with normal intelligence immunodeficiency and lymphoreticular malignancies; Nonsyndromal microcephaly autosomal recessive with normal intelligence; Seemanova syndrome 2. Identifiers: Orphanet 647, MedGen C0398791, MONDO:0009623, OMIM 251260.
Aplastic anemia. Identifiers: Orphanet 182040, Orphanet 88, MedGen C0002874, MONDO:0015909, OMIM 609135, HP:0001915.
Hereditary cancer-predisposing syndrome. Also called: Hereditary neoplastic syndrome; Neoplastic Syndromes, Hereditary; Tumor predisposition; Hereditary Cancer Syndrome. Identifiers: Orphanet 140162, MedGen C0027672, MeSH D009386, MONDO:0015356.

Submissions (10):

Natera, Inc.
Classification: Likely pathogenic for Nijmegen breakage syndrome. Last evaluated: 2025-07-01. Review status: criteria provided, single submitter. Criteria: Natera Variant Classification Schema (03/2026). Collection method: clinical testing. Allele origin: germline.
Comment: The c.591_603delCCCACCTCTTGATinsTTG variant in NBN is a frameshift variant predicted to shift the reading frame beginning at codon 198 and leads to a stop codon 30 codons downstream. This variant is expected to result in nonsense mediated decay, truncation, or a dysfunctional protein product. This variant is rare in the general population with a frequency below the threshold expected for the associated phenotype(s). Given the available evidence, this variant is classified as Likely Pathogenic.

Fulgent Genetics
Classification: Likely pathogenic for Microcephaly, normal intelligence and immunodeficiency; Aplastic anemia; Acute lymphoid leukemia. Last evaluated: 2024-02-10. Review status: criteria provided, single submitter. Criteria: ACMG Guidelines, 2015. Collection method: clinical testing. Allele origin: germline.

Baylor Genetics
Classification: Likely pathogenic for Aplastic anemia. Last evaluated: 2023-11-16. Review status: criteria provided, single submitter. Criteria: ACMG Guidelines, 2015. Collection method: clinical testing. Allele origin: unknown.

Women's Health and Genetics/Laboratory Corporation of America, LabCorp
Classification: Pathogenic for Microcephaly, normal intelligence and immunodeficiency. Last evaluated: 2023-08-07. Review status: criteria provided, single submitter. Criteria: LabCorp Variant Classification Summary - May 2015. Collection method: clinical testing. Allele origin: germline.
Comment: Variant summary: NBN c.591_603delinsTTG (p.Pro198TrpfsX30) results in a premature termination codon, predicted to cause absence of the protein due to nonsense mediated decay, which is a commonly known mechanisms for disease. The variant was absent in 250604 control chromosomes (gnomAD). To our knowledge, no occurrence of c.591_603delinsTTG in individuals affected with Nijmegen Breakage Syndrome and no experimental evidence demonstrating its impact on protein function have been reported. Six submitters have cited clinical-significance assessments for this variant to ClinVar after 2014. All submitters classified the variant as pathogenic/likely pathogenic. Based on the evidence outlined above, the variant was classified as pathogenic.

Labcorp Genetics (formerly Invitae), Labcorp
Classification: Pathogenic for Microcephaly, normal intelligence and immunodeficiency. Last evaluated: 2023-03-27. Review status: criteria provided, single submitter. Criteria: Invitae Variant Classification Sherloc (09022015). Collection method: clinical testing. Allele origin: germline.
Comment: This sequence change creates a premature translational stop signal (p.Pro198Trpfs*30) in the NBN gene. It is expected to result in an absent or disrupted protein product. Loss-of-function variants in NBN are known to be pathogenic (PMID: 9590180, 16415040). Information on the frequency of this variant in the gnomAD database is not available, as this variant may be reported differently in the database. This variant has not been reported in the literature in individuals affected with NBN-related conditions. For these reasons, this variant has been classified as Pathogenic.

GeneDx
Classification: Likely pathogenic. Last evaluated: 2021-11-11. Review status: criteria provided, single submitter. Criteria: GeneDx Variant Classification Process June 2021. Collection method: clinical testing. Allele origin: germline. Affected: yes.
Comment: Frameshift variant predicted to result in protein truncation or nonsense mediated decay in a gene for which loss-of-function is a known mechanism of disease; Not observed at significant frequency in large population cohorts (Lek et al., 2016); Has not been previously published as pathogenic or benign to our knowledge

Genome-Nilou Lab
Classification: Pathogenic for Microcephaly, normal intelligence and immunodeficiency. Last evaluated: 2021-11-07. Review status: criteria provided, single submitter. Criteria: ACMG Guidelines, 2015. Collection method: clinical testing. Allele origin: germline. Affected: no.

Ambry Genetics
Classification: Pathogenic for Hereditary cancer-predisposing syndrome. Last evaluated: 2020-11-18. Review status: criteria provided, single submitter. Criteria: Ambry Variant Classification Scheme 2023. Collection method: clinical testing. Allele origin: germline.
Comment: The c.591_603del13insTTG pathogenic mutation, located in coding exon 6 of the NBN gene, results from the deletion of 13 nucleotides and insertion of 3 nucleotides causing a translational frameshift with a predicted alternate stop codon (p.P198Wfs*30). This alteration is expected to result in loss of function by premature protein truncation or nonsense-mediated mRNA decay. As such, this alteration is interpreted as a disease-causing mutation.

Baylor Genetics
Classification: Likely pathogenic for Acute lymphoid leukemia. Last evaluated: 2020-01-09. Review status: criteria provided, single submitter. Criteria: ACMG Guidelines, 2015. Collection method: clinical testing. Allele origin: unknown. Affected: yes.
Comment: This variant was determined to be likely pathogenic according to ACMG Guidelines, 2015 [PMID:25741868].

Ambry Genetics
Classification: Pathogenic for Hereditary cancer-predisposing syndrome. Last evaluated: 2021-01-12. Review status: flagged submission. Criteria: Ambry Variant Classification Scheme 2023. Collection method: clinical testing. Allele origin: germline. Not counted in ClinVar's aggregate classification.
Comment: The c.591_603delinsTTG (p.P198Wfs*30) alteration, located in coding exon 6 of the NBN gene, consists of a deletion of 13 and insertion of 3 nucleotides causing a translational frameshift at position 591 with a predicted alternate stop codon after 30 amino acids. This alteration is expected to result in loss of function by premature protein truncation or nonsense-mediated mRNA decay. Based on the available evidence, this alteration is classified as pathogenic.
ClinVar note: Reason: This record appears to be redundant with a more recent record from the same submitter.
ClinVar note: Notes: SCV003549986 appears to be redundant with SCV000666565.

Literature cited by the submitters: PubMed 9590180 (cited by Labcorp Genetics (formerly Invitae), Labcorp); PubMed 16415040 (cited by Labcorp Genetics (formerly Invitae), Labcorp).

NM_002485.5(NBN):c.591_603delinsTTG (p.Pro198fs)

Gene: NBN (nibrin; minus strand). Cytogenetic location: 8q21.3.
Variant type: Indel.
Coding change: c.591_603delinsTTG on transcript NM_002485.5 (MANE Select); coding-DNA positions 591 to 603, CCCACCTCTTGAT replaced by TTG.
Protein change: p.Pro198fs; shifts the reading frame from proline 198.
Molecular consequence: frameshift variant.
Genome position (GRCh38, 1-based): chr8:89,971,272-89,971,284, ATCAAGAGGTGGG replaced by CAA on the plus strand (CCCACCTCTTGAT replaced by TTG on the coding strand, the reverse complement: NBN is on the minus strand). VCF-style: chr8-89971272-ATCAAGAGGTGGG-CAA. GRCh37 (hg19) VCF-style: chr8-90983500-ATCAAGAGGTGGG-CAA.
Other names: c.345_357delinsTTG, p.Pro116fs (NM_001024688.3); c.591_603delCCCACCTCTTGATinsTTG (NM_002485.4); short protein forms P116fs, P198fs.
Identifiers: ClinVar variation 481871 (VCV000481871.20), dbSNP rs1554564297, ClinGen allele CA658657807.